The following is an entry in ClinVar:

NM_001165963.4(SCN1A):c.893_894del (p.Val298fs)

Gene: SCN1A (sodium voltage-gated channel alpha subunit 1; minus strand). Cytogenetic location: 2q24.3.
Variant type: Microsatellite.
Coding change: c.893_894del on transcript NM_001165963.4 (MANE Select); coding-DNA positions 893 to 894, 2 bases deleted (TG; older notation c.893_894delTG).
Protein change: p.Val298fs; shifts the reading frame from valine 298.
Molecular consequence: frameshift variant. On other transcripts: 5 prime UTR variant (1), non-coding transcript variant (1).
Genome position (GRCh38, 1-based): chr2:166,051,789-166,051,790, CA deleted on the plus strand (TG on the coding strand, the reverse complement: SCN1A is on the minus strand); deleting any 2 consecutive bases within chr2:166,051,789-166,051,792 gives the same sequence; the c. name uses the placement nearest the transcript's 3' end. VCF-style (leftmost placement, unchanged base first): chr2-166051788-TCA-T. GRCh37 (hg19) VCF-style: chr2-166908298-TCA-T.
Other names: c.893_894del, p.Val298fs (NM_001165964.3, NM_001202435.3, NM_001353948.2 and 10 more transcripts); c.-1535TG[1] (NM_001353961.2); c.893_894delTG (NM_001165963.1); c.893_894del (NM_001165963.1); short protein forms V298fs.
Identifiers: ClinVar variation 420039 (VCV000420039.3), dbSNP rs1064794252, ClinGen allele CA16617314.

ClinVar aggregate classification (germline): Pathogenic (1 of 4 stars; one submission).

Submission:

GeneDx
Classification: Pathogenic. Last evaluated: 2025-01-29. Review status: criteria provided, single submitter. Criteria: GeneDx Variant Classification Process June 2021. Collection method: clinical testing. Allele origin: germline. Affected: yes.
Comment: Frameshift variant predicted to result in protein truncation or nonsense mediated decay in a gene for which loss of function is a known mechanism of disease; Not observed at significant frequency in large population cohorts (gnomAD); This variant is associated with the following publications: (PMID: 21248271, 22071555, 23884151, 35074891)